The following is an entry in ClinVar:

ClinVar aggregate classification (germline): Pathogenic (1 of 4 stars; one submission).

gnomAD v4.1: 1 of 1,611,770 alleles (0.000062%); highest among the groups gnomAD compares: Non-Finnish European, 0.000085%; no homozygotes.

Submission:

Labcorp Genetics (formerly Invitae), Labcorp
Classification: Pathogenic. Last evaluated: 2022-03-20. Review status: criteria provided, single submitter. Criteria: Invitae Variant Classification Sherloc (09022015). Collection method: clinical testing. Allele origin: germline.
Comment: This variant has not been reported in the literature in individuals affected with MCM3AP-related conditions. For these reasons, this variant has been classified as Pathogenic. This variant is not present in population databases (gnomAD no frequency). This sequence change creates a premature translational stop signal (p.Gly944*) in the MCM3AP gene. It is expected to result in an absent or disrupted protein product. Loss-of-function variants in MCM3AP are known to be pathogenic (PMID: 28633435).

Literature cited by the submitters: PubMed 28633435.

NM_003906.5(MCM3AP):c.2830G>T (p.Gly944Ter)

Gene: MCM3AP (minichromosome maintenance complex component 3 associated protein; minus strand). Cytogenetic location: 21q22.3.
Variant type: single nucleotide variant.
Coding change: c.2830G>T on transcript NM_003906.5 (MANE Select); coding-DNA position 2830, G replaced by T.
Protein change: p.Gly944Ter; replaces glycine 944 with a stop codon.
Molecular consequence: nonsense.
Genome position (GRCh38, 1-based): chr21:46,266,126, C>A on the plus strand (G>T on the coding strand, the complement: MCM3AP is on the minus strand). VCF-style: chr21-46266126-C-A. GRCh37 (hg19) VCF-style: chr21-47686040-C-A.
Other names: short protein forms G944*.
Identifiers: ClinVar variation 2114782 (VCV002114782.4), dbSNP rs1399269122, ClinGen allele CA410562128.